The following is an entry in ClinVar:

ClinVar aggregate classification (germline): Uncertain significance (1 of 4 stars; one submission).

Conditions:
Baller-Gerold syndrome (BGS). Also called: CRANIOSYNOSTOSIS WITH RADIAL DEFECTS. Identifiers: Orphanet 1225, MedGen C0265308, MONDO:0009039, OMIM 218600.

Allele frequency attached by ClinVar (database versions not stated): gnomAD exomes below 0.00001.
gnomAD v4.1: 2 of 1,609,672 alleles (0.00012%); highest among the groups gnomAD compares: Non-Finnish European, 0.000085%; no homozygotes.

Submission:

Labcorp Genetics (formerly Invitae), Labcorp
Classification: Uncertain significance for Baller-Gerold syndrome. Last evaluated: 2022-12-21. Review status: criteria provided, single submitter. Criteria: Invitae Variant Classification Sherloc (09022015). Collection method: clinical testing. Allele origin: germline.
Comment: This sequence change replaces glycine, which is neutral and non-polar, with aspartic acid, which is acidic and polar, at codon 507 of the RECQL4 protein (p.Gly507Asp). In summary, the available evidence is currently insufficient to determine the role of this variant in disease. Therefore, it has been classified as a Variant of Uncertain Significance. Advanced modeling of protein sequence and biophysical properties (such as structural, functional, and spatial information, amino acid conservation, physicochemical variation, residue mobility, and thermodynamic stability) performed at Invitae indicates that this missense variant is expected to disrupt RECQL4 protein function. This variant has not been reported in the literature in individuals affected with RECQL4-related conditions. This variant is not present in population databases (gnomAD no frequency).

NM_004260.4(RECQL4):c.1520G>A (p.Gly507Asp)

Gene: RECQL4 (RecQ like helicase 4; minus strand). Cytogenetic location: 8q24.3.
Variant type: single nucleotide variant.
Coding change: c.1520G>A on transcript NM_004260.4 (MANE Select); coding-DNA position 1520, G replaced by A.
Protein change: p.Gly507Asp; replaces glycine 507 with aspartic acid.
Molecular consequence: missense variant. On other transcripts: non-coding transcript variant (3).
Genome position (GRCh38, 1-based): chr8:144,515,036, C>T on the plus strand (G>A on the coding strand, the complement: RECQL4 is on the minus strand). VCF-style: chr8-144515036-C-T. GRCh37 (hg19) VCF-style: chr8-145740420-C-T.
Other names: c.449G>A, p.Gly150Asp (NM_001413034.1, NM_001413035.1, NM_001413037.1 and 7 more transcripts); c.1520G>A, p.Gly507Asp (NM_001413036.1, NM_001413018.1, NM_001413019.1 and 1 more transcripts); c.1490G>A, p.Gly497Asp (NM_001413039.1); c.383G>A, p.Gly128Asp (NM_001413041.1, NM_001413027.1, NM_001413030.1 and 2 more transcripts); c.419G>A, p.Gly140Asp (NM_001413042.1); c.53G>A, p.Gly18Asp (NM_001413043.1); c.1424G>A, p.Gly475Asp (NM_001413017.1, NM_001413020.1); c.1391G>A, p.Gly464Asp (NM_001413025.1); and 1 more; short protein forms G140D, G18D, G464D, G475D, G390D, G128D, G150D, G497D.
Identifiers: ClinVar variation 2822845 (VCV002822845.3), dbSNP rs2538055902, ClinGen allele CA372684083.